The following is an entry in ClinVar:

ClinVar aggregate classification (germline): Likely pathogenic (1 of 4 stars; one submission).

Conditions:
Mucopolysaccharidosis type 6 (MPS6). Also called: N-ACETYLGALACTOSAMINE-4-SULFATASE DEFICIENCY; MPS VI; MPS 6; Maroteaux Lamy syndrome; ARSB DEFICIENCY; ARYLSULFATASE B DEFICIENCY. Identifiers: Orphanet 583, MedGen C0026709, MONDO:0009661, OMIM 253200.

Submission:

Laboratory of Diagnosis and Therapy of Lysosomal Disorders, University of Padova
Classification: Likely pathogenic for Mucopolysaccharidosis type 6. Last evaluated: 2018-01-01. Review status: criteria provided, single submitter. Criteria: ACMG Guidelines, 2015. Collection method: curation. Allele origin: germline. Affected: yes.
Comment: In vitro functional studies supportive of a damaging effect on the gene product (low to no ARSB activity in homozygotes; PS3); Absent from GnomAD (PM2); Multiple lines of computational evidence support a deleterious effect on the gene product (PP3)

Literature cited by the submitters: PubMed 17458871; PubMed 17643332; PubMed 30118150.

NM_000046.5(ARSB):c.1415T>C (p.Leu472Pro)

Gene: ARSB (arylsulfatase B; minus strand). Cytogenetic location: 5q14.1.
Variant type: single nucleotide variant.
Coding change: c.1415T>C on transcript NM_000046.5 (MANE Select); coding-DNA position 1415, T replaced by C.
Protein change: p.Leu472Pro; replaces leucine 472 with proline.
Molecular consequence: missense variant.
Genome position (GRCh38, 1-based): chr5:78,780,584, A>G on the plus strand (T>C on the coding strand, the complement: ARSB is on the minus strand). VCF-style: chr5-78780584-A-G. GRCh37 (hg19) VCF-style: chr5-78076407-A-G.
Other names: short protein forms L472P.
Identifiers: ClinVar variation 559712 (VCV000559712.1), dbSNP rs1211360114, ClinGen allele CA360339165.